The following is an entry in ClinVar:

ClinVar aggregate classification (germline): Likely benign. Review status: criteria provided, multiple submitters, no conflicts (2 of 4 stars). 2 submissions from 2 submitters: Likely benign (2). Last evaluated 2026-07-01.

Conditions:
Inborn genetic diseases. Identifiers: MedGen C0950123, MeSH D030342.

gnomAD v4.1: 301 of 1,613,730 alleles (0.019%); highest among the groups gnomAD compares: South Asian, 0.025%; 1 homozygote.

Submissions (2):

CeGaT Center for Human Genetics Tuebingen
Classification: Likely benign. Last evaluated: 2026-07-01. Review status: criteria provided, single submitter. Criteria: CeGaT Center For Human Genetics Tuebingen Variant Classification Criteria Version 2. Collection method: clinical testing. Allele origin: germline. Affected: yes. Observed: 2 variant alleles.
Comment: ZNF292: BS2

Ambry Genetics
Classification: Likely benign for Inborn genetic diseases. Last evaluated: 2024-04-01. Review status: criteria provided, single submitter. Criteria: Ambry Variant Classification Scheme 2023. Collection method: clinical testing. Allele origin: germline.

NM_015021.3(ZNF292):c.1562T>G (p.Ile521Arg)

Gene: ZNF292 (zinc finger protein 292; plus strand). Cytogenetic location: 6q14.3.
Variant type: single nucleotide variant.
Coding change: c.1562T>G on transcript NM_015021.3 (MANE Select); coding-DNA position 1562, T replaced by G.
Protein change: p.Ile521Arg; replaces isoleucine 521 with arginine.
Molecular consequence: missense variant.
Genome position (GRCh38, 1-based): chr6:87,255,191, T>G. VCF-style: chr6-87255191-T-G. GRCh37 (hg19) VCF-style: chr6-87964909-T-G.
Other names: c.1142T>G, p.Ile381Arg (NM_001351444.2); short protein forms I381R, I521R.
Identifiers: ClinVar variation 3335390 (VCV003335390.7).